The following is an entry in ClinVar:

ClinVar aggregate classification (germline): Uncertain significance. Review status: criteria provided, multiple submitters, no conflicts (2 of 4 stars). 2 submissions from 2 submitters: Uncertain significance (2). Last evaluated 2023-05-16.

Conditions:
Congenital muscular dystrophy due to integrin alpha-7 deficiency. Also called: MYOPATHY, CONGENITAL, DUE TO INTEGRIN ALPHA-7 DEFICIENCY; Congenital muscular dystrophy with integrin alpha-7 deficiency; Muscular dystrophy, congenital, due to ITGA7 deficiency. Identifiers: Orphanet 34520, MedGen C2750786, MONDO:0013177, OMIM 613204.

Allele frequency attached by ClinVar (database versions not stated): TOPMed below 0.00001; ExAC 0.00001; gnomAD 0.00001; gnomAD exomes 0.00001.

Submissions (2):

Revvity Omics, Revvity
Classification: Uncertain significance for Congenital muscular dystrophy due to integrin alpha-7 deficiency. Last evaluated: 2023-05-16. Review status: criteria provided, single submitter. Criteria: ACMG Guidelines, 2015. Collection method: clinical testing. Allele origin: germline.

Labcorp Genetics (formerly Invitae), Labcorp
Classification: Uncertain significance for Congenital muscular dystrophy due to integrin alpha-7 deficiency. Last evaluated: 2019-02-18. Review status: criteria provided, single submitter. Criteria: Invitae Variant Classification Sherloc (09022015). Collection method: clinical testing. Allele origin: germline.
Comment: This sequence change replaces methionine with threonine at codon 114 of the ITGA7 protein (p.Met114Thr). The methionine residue is weakly conserved and there is a moderate physicochemical difference between methionine and threonine. This variant is present in population databases (rs761095619, ExAC 0.002%). This variant has not been reported in the literature in individuals with ITGA7-related conditions. Algorithms developed to predict the effect of missense changes on protein structure and function (SIFT, PolyPhen-2, Align-GVGD) all suggest that this variant is likely to be tolerated, but these predictions have not been confirmed by published functional studies and their clinical significance is uncertain. In summary, the available evidence is currently insufficient to determine the role of this variant in disease. Therefore, it has been classified as a Variant of Uncertain Significance.

NM_002206.3(ITGA7):c.341T>C (p.Met114Thr)

Gene: ITGA7 (integrin subunit alpha 7; minus strand). Cytogenetic location: 12q13.2.
Variant type: single nucleotide variant.
Coding change: c.341T>C on transcript NM_002206.3 (MANE Select); coding-DNA position 341, T replaced by C.
Protein change: p.Met114Thr; replaces methionine 114 with threonine.
Molecular consequence: missense variant. On other transcripts: initiator codon variant (2), 5 prime UTR variant (1), intron variant (1).
Genome position (GRCh38, 1-based): chr12:55,702,945, A>G on the plus strand (T>C on the coding strand, the complement: ITGA7 is on the minus strand). VCF-style: chr12-55702945-A-G. GRCh37 (hg19) VCF-style: chr12-56096729-A-G.
Other names: c.341T>C, p.Met114Thr (NM_001144996.2, NM_001374465.1, NM_001410977.1 and 6 more transcripts); c.2T>C, p.Met1Thr (NM_001367993.1, NM_001414035.1); c.-832T>C (NM_001367994.1); c.86-1529T>C (NM_001144997.2); short protein forms M114T, M1T.
Identifiers: ClinVar variation 841863 (VCV000841863.15), dbSNP rs761095619, ClinGen allele CA6616369.